The following is an entry in ClinVar:

ClinVar aggregate classification (germline): Uncertain significance (1 of 4 stars; one submission).

gnomAD v4.1: 12 of 780,728 alleles (0.0015%); highest among the groups gnomAD compares: Middle Eastern, 0.022%; no homozygotes.

Submission:

Women's Health and Genetics/Laboratory Corporation of America, LabCorp
Classification: Uncertain significance. Last evaluated: 2026-03-04. Review status: criteria provided, single submitter. Criteria: LabCorp Variant Classification Summary - May 2015. Collection method: clinical testing. Allele origin: germline.
Comment: Variant summary: C1R c.-12G>C is located in the untranslated mRNA region upstream of the initiation codon. The variant allele was found at a frequency of 8e-06 in 249066 control chromosomes. The available data on variant occurrences in the general population are insufficient to allow any conclusion about variant significance. To our knowledge, no occurrence of c.-12G>C in individuals affected with C1R-related conditions and no experimental evidence demonstrating its impact on protein function have been reported. No submitters have cited clinical-significance assessments for this variant to ClinVar. Based on the evidence outlined above, the variant was classified as uncertain significance.

NM_001733.7(C1R):c.-12G>C

Gene: C1R (complement C1r; minus strand). Cytogenetic location: 12p13.31.
Variant type: single nucleotide variant.
Coding change: c.-12G>C on transcript NM_001733.7 (MANE Select); 12 bases upstream of the start codon, G replaced by C.
Molecular consequence: 5 prime UTR variant.
Genome position (GRCh38, 1-based): chr12:7,092,400, C>G on the plus strand (G>C on the coding strand, the complement: C1R is on the minus strand). VCF-style: chr12-7092400-C-G. GRCh37 (hg19) VCF-style: chr12-7244996-C-G.
Identifiers: ClinVar variation 4847482 (VCV004847482.1).
Genomic context (GRCh38, chr12:7,092,400, plus strand): 5'-TCCCCTGGCTTCTCCCTCCCACCTGGTTGCCCATCACCCTTACTCACATTTCTCAAGGCC[C>G]GTGTTGAATCCTGGGCTCTCCCGACAGCGTCTTCGTGCACTGTGTGCAGAGGGAGCCCGC-3'